The following is an entry in ClinVar:

ClinVar aggregate classification (germline): Uncertain significance (1 of 4 stars; one submission).

Conditions:
Bardet-Biedl syndrome (BBS). Identifiers: Orphanet 110, MedGen C0752166, MONDO:0015229.

gnomAD v4.1: 5 of 1,613,802 alleles (0.00031%); highest among the groups gnomAD compares: Non-Finnish European, 0.00034%; no homozygotes.

Submission:

Labcorp Genetics (formerly Invitae), Labcorp
Classification: Uncertain significance for Bardet-Biedl syndrome. Last evaluated: 2025-03-17. Review status: criteria provided, single submitter. Criteria: Invitae Variant Classification Sherloc (09022015). Collection method: clinical testing. Allele origin: germline.
Comment: This sequence change replaces serine, which is neutral and polar, with arginine, which is basic and polar, at codon 554 of the BBS1 protein (p.Ser554Arg). This variant is present in population databases (no rsID available, gnomAD 0.0009%). This variant has not been reported in the literature in individuals affected with BBS1-related conditions. ClinVar contains an entry for this variant (Variation ID: 2202651). Invitae Evidence Modeling of protein sequence and biophysical properties (such as structural, functional, and spatial information, amino acid conservation, physicochemical variation, residue mobility, and thermodynamic stability) has been performed for this missense variant. However, the output from this modeling did not meet the statistical confidence thresholds required to predict the impact of this variant on BBS1 protein function. In summary, the available evidence is currently insufficient to determine the role of this variant in disease. Therefore, it has been classified as a Variant of Uncertain Significance.

NM_024649.5(BBS1):c.1660A>C (p.Ser554Arg)

Genes: BBS1 (Bardet-Biedl syndrome 1; plus strand), ZDHHC24 (zDHHC palmitoyltransferase 24; minus strand). Cytogenetic location: 11q13.2.
Variant type: single nucleotide variant.
Coding change: c.1660A>C on transcript NM_024649.5 (MANE Select); coding-DNA position 1660, A replaced by C.
Protein change: p.Ser554Arg; replaces serine 554 with arginine.
Molecular consequence: missense variant. On other transcripts: intron variant (1).
Genome position (GRCh38, 1-based): chr11:66,531,707, A>C. VCF-style: chr11-66531707-A-C. GRCh37 (hg19) VCF-style: chr11-66299178-A-C.
Other names: c.560-2219T>G (NM_001348571.2); short protein forms S554R.
Identifiers: ClinVar variation 2202651 (VCV002202651.1), dbSNP rs184614863, ClinGen allele CA224050474.
Genomic context (GRCh38, chr11:66,531,707, plus strand): 5'-CAAACTTAGGTACCCTTGCTGGTGCCAGGGCTCAACTACCCCCTGGAGACCTTTGTGGAG[A>C]GTCTCAGTAACAAGGGCATCTCAGACATCATCAAGGTAGGCCCCGCACTTGTACCACGTG-3'
Protein context (NP_078925.3, residues 544-564): LNYPLETFVE[Ser554Arg]LSNKGISDII